The following is an entry in ClinVar:

ClinVar aggregate classification (germline): Uncertain significance. Review status: criteria provided, multiple submitters, no conflicts (2 of 4 stars). 3 submissions from 3 submitters: Uncertain significance (3). Last evaluated 2026-01-29.

Conditions:
Charcot-Marie-Tooth disease type 2. Also called: Charcot-Marie-Tooth type 2. Identifiers: Orphanet 64746, MedGen C0270914, MONDO:0018993.

Allele frequency attached by ClinVar (database versions not stated): ExAC 0.00001; gnomAD exomes 0.00001.
gnomAD v4.1: 11 of 1,614,172 alleles (0.00068%); highest among the groups gnomAD compares: Non-Finnish European, 0.00085%; no homozygotes.

Submissions (3):

GeneDx
Classification: Uncertain significance. Last evaluated: 2026-01-29. Review status: criteria provided, single submitter. Criteria: GeneDx Variant Classification Process June 2021. Collection method: clinical testing. Allele origin: germline.
Comment: Not observed at significant frequency in large population cohorts (gnomAD); In silico analysis suggests that this missense variant does not alter protein structure/function; Has not been previously published as pathogenic or benign to our knowledge

Labcorp Genetics (formerly Invitae), Labcorp
Classification: Uncertain significance for Charcot-Marie-Tooth disease type 2. Last evaluated: 2025-04-01. Review status: criteria provided, single submitter. Criteria: Invitae Variant Classification Sherloc (09022015). Collection method: clinical testing. Allele origin: germline.
Comment: This sequence change replaces valine, which is neutral and non-polar, with methionine, which is neutral and non-polar, at codon 119 of the BSCL2 protein (p.Val119Met). This variant is present in population databases (rs768008962, gnomAD 0.0009%). This variant has not been reported in the literature in individuals affected with BSCL2-related conditions. ClinVar contains an entry for this variant (Variation ID: 2428717). Invitae Evidence Modeling of protein sequence and biophysical properties (such as structural, functional, and spatial information, amino acid conservation, physicochemical variation, residue mobility, and thermodynamic stability) indicates that this missense variant is expected to disrupt BSCL2 protein function with a positive predictive value of 80%. In summary, the available evidence is currently insufficient to determine the role of this variant in disease. Therefore, it has been classified as a Variant of Uncertain Significance.

ARUP Laboratories, Molecular Genetics and Genomics, ARUP Laboratories
Classification: Uncertain significance. Last evaluated: 2022-04-01. Review status: criteria provided, single submitter. Criteria: ARUP Molecular Germline Variant Investigation Process 2021. Collection method: clinical testing. Allele origin: germline.
Comment: The BSCL2 c.355G>A; p.Val119Met variant (rs768008962), to our knowledge, is not reported in the medical literature or gene specific databases. This variant is only observed on two allele in the Genome Aggregation Database, indicating it is not a common polymorphism. The valine at codon 119 is highly conserved, but computational analyses are uncertain whether this variant is neutral or deleterious (REVEL: 0.638). Due to the lack of clinical and functional data, the clinical significance of this variant is uncertain at this time.

NM_001122955.4(BSCL2):c.547G>A (p.Val183Met)

Genes: BSCL2 (BSCL2 lipid droplet biogenesis associated, seipin; minus strand), HNRNPUL2-BSCL2 (HNRNPUL2-BSCL2 readthrough (NMD candidate); minus strand). Cytogenetic location: 11q12.3.
Variant type: single nucleotide variant.
Coding change: c.547G>A on transcript NM_001122955.4 (MANE Select); coding-DNA position 547, G replaced by A.
Protein change: p.Val183Met; replaces valine 183 with methionine.
Molecular consequence: missense variant. On other transcripts: non-coding transcript variant (1).
Genome position (GRCh38, 1-based): chr11:62,694,651, C>T on the plus strand (G>A on the coding strand, the complement: BSCL2 is on the minus strand). VCF-style: chr11-62694651-C-T. GRCh37 (hg19) VCF-style: chr11-62462123-C-T.
Other names: c.355G>A, p.Val119Met (NM_001130702.2, NM_032667.6); c.547G>A, p.Val183Met (NM_001386027.1, NM_001386028.1); short protein forms V119M, V183M.
Identifiers: ClinVar variation 2428717 (VCV002428717.5), dbSNP rs768008962, ClinGen allele CA6053530.